The following is an entry in ClinVar:

ClinVar aggregate classification (germline): Uncertain significance (1 of 4 stars; one submission).

Allele frequency attached by ClinVar (database versions not stated): gnomAD exomes below 0.00001; TOPMed below 0.00001; ExAC 0.00002.
gnomAD v4.1: 8 of 1,614,048 alleles (0.0005%); highest among the groups gnomAD compares: Middle Eastern, 0.016%; no homozygotes.

Submission:

Labcorp Genetics (formerly Invitae), Labcorp
Classification: Uncertain significance. Last evaluated: 2023-05-09. Review status: criteria provided, single submitter. Criteria: Invitae Variant Classification Sherloc (09022015). Collection method: clinical testing. Allele origin: germline.
Comment: This sequence change replaces isoleucine, which is neutral and non-polar, with valine, which is neutral and non-polar, at codon 512 of the PDE10A protein (p.Ile512Val). This variant is present in population databases (rs769347105, gnomAD 0.003%). This variant has not been reported in the literature in individuals affected with PDE10A-related conditions. In summary, the available evidence is currently insufficient to determine the role of this variant in disease. Therefore, it has been classified as a Variant of Uncertain Significance. Advanced modeling of protein sequence and biophysical properties (such as structural, functional, and spatial information, amino acid conservation, physicochemical variation, residue mobility, and thermodynamic stability) performed at Invitae indicates that this missense variant is not expected to disrupt PDE10A protein function.

NM_001385079.1(PDE10A):c.2332A>G (p.Ile778Val)

Gene: PDE10A (phosphodiesterase 10A; minus strand). Cytogenetic location: 6q27.
Variant type: single nucleotide variant.
Coding change: c.2332A>G on transcript NM_001385079.1 (MANE Select); coding-DNA position 2332, A replaced by G.
Protein change: p.Ile778Val; replaces isoleucine 778 with valine.
Molecular consequence: missense variant.
Genome position (GRCh38, 1-based): chr6:165,392,768, T>C on the plus strand (A>G on the coding strand, the complement: PDE10A is on the minus strand). VCF-style: chr6-165392768-T-C. GRCh37 (hg19) VCF-style: chr6-165806257-T-C.
Other names: c.1534A>G, p.Ile512Val (NM_001130690.3); c.1504A>G, p.Ile502Val (NM_006661.4); short protein forms I512V, I502V, I778V.
Identifiers: ClinVar variation 2965065 (VCV002965065.3), dbSNP rs769347105, ClinGen allele CA4092137.